The following is an entry in ClinVar:

ClinVar aggregate classification (germline): Uncertain significance. Review status: criteria provided, multiple submitters, no conflicts (2 of 4 stars). 6 submissions from 6 submitters: Uncertain significance (3). 3 of the submissions do not count toward it. Last evaluated 2025-11-25.

Conditions:
HPS1-related disorder. Also called: HPS1-related condition.
Inborn genetic diseases. Identifiers: MedGen C0950123, MeSH D030342.
Hermansky-Pudlak syndrome 1 (HPS1). Also called: DELTA STORAGE POOL DISEASE. Identifiers: Orphanet 231500, Orphanet 79430, MedGen C2931875, MONDO:0008748, OMIM 203300.

Allele frequency attached by ClinVar (database versions not stated): ExAC 0.00010; 1000 Genomes Project 30x 0.00016; gnomAD exomes 0.00008; 1000 Genomes Project 0.00020.
gnomAD v4.1: 123 of 1,611,248 alleles (0.0076%); highest among the groups gnomAD compares: South Asian, 0.052%; 1 homozygote.

Submissions (6):

Ambry Genetics
Classification: Uncertain significance for Inborn genetic diseases. Last evaluated: 2025-11-25. Review status: criteria provided, single submitter. Criteria: Ambry Variant Classification Scheme 2023. Collection method: clinical testing. Allele origin: germline.

Fulgent Genetics
Classification: Uncertain significance for Hermansky-Pudlak syndrome 1. Last evaluated: 2024-01-29. Review status: criteria provided, single submitter. Criteria: ACMG Guidelines, 2015. Collection method: clinical testing. Allele origin: germline.

Labcorp Genetics (formerly Invitae), Labcorp
Classification: Uncertain significance. Last evaluated: 2022-08-19. Review status: criteria provided, single submitter. Criteria: Invitae Variant Classification Sherloc (09022015). Collection method: clinical testing. Allele origin: germline.
Comment: This sequence change replaces arginine, which is basic and polar, with tryptophan, which is neutral and slightly polar, at codon 260 of the HPS1 protein (p.Arg260Trp). This variant is present in population databases (rs564590745, gnomAD 0.05%). This variant has not been reported in the literature in individuals affected with HPS1-related conditions. ClinVar contains an entry for this variant (Variation ID: 1206398). Algorithms developed to predict the effect of missense changes on protein structure and function output the following: SIFT: "Tolerated"; PolyPhen-2: "Benign"; Align-GVGD: "Class C0". The tryptophan amino acid residue is found in multiple mammalian species, which suggests that this missense change does not adversely affect protein function. In summary, the available evidence is currently insufficient to determine the role of this variant in disease. Therefore, it has been classified as a Variant of Uncertain Significance.

PreventionGenetics, part of Exact Sciences
Classification: Uncertain significance for HPS1-related condition. Last evaluated: 2024-07-30. Review status: no assertion criteria provided. Collection method: clinical testing. Allele origin: germline. Not counted in ClinVar's aggregate classification.
Comment: The HPS1 c.778C>T variant is predicted to result in the amino acid substitution p.Arg260Trp. To our knowledge, this variant has not been reported in the literature. This variant is reported in 0.046% of alleles in individuals of South Asian descent in gnomAD. At this time, the clinical significance of this variant is uncertain due to the absence of conclusive functional and genetic evidence.

Clinical Genetics DNA and cytogenetics Diagnostics Lab, Erasmus MC, Erasmus Medical Center
Classification: Likely benign. Review status: no assertion criteria provided. Collection method: clinical testing. Allele origin: germline. Affected: yes. Study: VKGL Data-share Consensus. Not counted in ClinVar's aggregate classification.

Laboratory of Diagnostic Genome Analysis, Leiden University Medical Center (LUMC)
Classification: Likely benign. Review status: no assertion criteria provided. Collection method: clinical testing. Allele origin: germline. Affected: yes. Study: VKGL Data-share Consensus. Not counted in ClinVar's aggregate classification.

NM_000195.5(HPS1):c.778C>T (p.Arg260Trp)

Gene: HPS1 (HPS1 biogenesis of lysosomal organelles complex 3 subunit 1; minus strand). Cytogenetic location: 10q24.2.
Variant type: single nucleotide variant.
Coding change: c.778C>T on transcript NM_000195.5 (MANE Select); coding-DNA position 778, C replaced by T.
Protein change: p.Arg260Trp; replaces arginine 260 with tryptophan.
Molecular consequence: missense variant. On other transcripts: 5 prime UTR variant (1), synonymous variant (1), intron variant (8).
Genome position (GRCh38, 1-based): chr10:98,429,880, G>A on the plus strand (C>T on the coding strand, the complement: HPS1 is on the minus strand). VCF-style: chr10-98429880-G-A. GRCh37 (hg19) VCF-style: chr10-100189637-G-A.
Other names: c.778C>T (NM_000195.3, NM_000195.4); c.778C>T, p.Arg260Trp (NM_001322476.2, NM_001322477.2, NM_182639.4); c.517C>T, p.Arg173Trp (NM_001322480.2, NM_001322481.2); c.409C>T, p.Arg137Trp (NM_001322483.2, NM_001322484.2); c.-195C>T (NM_001322487.2); c.660C>T, p.Arg220= (NM_001322490.2); c.769-238C>T (NM_001322478.2, NM_001322479.2, NM_001322491.2); c.400-238C>T (NM_001322485.2); and 3 more; short protein forms R137W, R173W, R260W.
Identifiers: ClinVar variation 1206398 (VCV001206398.7), dbSNP rs564590745, ClinGen allele CA5639282.